The following is an entry in ClinVar:

ClinVar aggregate classification (germline): Uncertain significance. Review status: criteria provided, multiple submitters, no conflicts (2 of 4 stars). 5 submissions from 4 submitters: Uncertain significance (4). 1 of the submissions does not count toward it. Last evaluated 2025-01-14.

Conditions:
Muscular dystrophy, limb-girdle, autosomal dominant 4. Also called: Calpain-3-related limb-girdle muscular dystrophy D4; MUSCULAR DYSTROPHY, LIMB-GIRDLE, TYPE 1I. Identifiers: Orphanet 565909, MedGen C4748295, MONDO:0029133, OMIM 618129.
Autosomal recessive limb-girdle muscular dystrophy type 2A (LGMDR1). Also called: LEYDEN-MOEBIUS MUSCULAR DYSTROPHY; MUSCULAR DYSTROPHY, PELVOFEMORAL; Limb-girdle muscular dystrophy, type 2A; Muscular dystrophy, limb-girdle, type 2A, Amish; Calpainopathy. Identifiers: Orphanet 267, MedGen C1869123, MONDO:0009675, OMIM 253600. Disease mechanism: loss of function.

Allele frequency attached by ClinVar (database versions not stated): gnomAD 0.00001 and 0.00002; gnomAD exomes 0.00002 and 0.00003; ExAC 0.00003; TOPMed 0.00006; ESP Exome Variant Server 0.00015; 1000 Genomes Project 30x 0.00016; 1000 Genomes Project 0.00020.
gnomAD v4.1: 52 of 1,614,058 alleles (0.0032%); highest among the groups gnomAD compares: Middle Eastern, 0.016%; no homozygotes.

Submissions (5):

Labcorp Genetics (formerly Invitae), Labcorp
Classification: Uncertain significance for Autosomal recessive limb-girdle muscular dystrophy type 2A. Last evaluated: 2025-01-14. Review status: criteria provided, single submitter. Criteria: Invitae Variant Classification Sherloc (09022015). Collection method: clinical testing. Allele origin: germline.
Comment: This sequence change replaces arginine, which is basic and polar, with glutamine, which is neutral and polar, at codon 493 of the CAPN3 protein (p.Arg493Gln). This variant is present in population databases (rs143583537, gnomAD 0.004%). This variant has not been reported in the literature in individuals affected with CAPN3-related conditions. ClinVar contains an entry for this variant (Variation ID: 968561). Invitae Evidence Modeling of protein sequence and biophysical properties (such as structural, functional, and spatial information, amino acid conservation, physicochemical variation, residue mobility, and thermodynamic stability) has been performed for this missense variant. However, the output from this modeling did not meet the statistical confidence thresholds required to predict the impact of this variant on CAPN3 protein function. This variant disrupts the p.Arg493 amino acid residue in CAPN3. Other variant(s) that disrupt this residue have been determined to be pathogenic (PMID: 10330340, 17236769, 18073330, 18334579, 25079074). This suggests that this residue is clinically significant, and that variants that disrupt this residue are likely to be disease-causing. In summary, the available evidence is currently insufficient to determine the role of this variant in disease. Therefore, it has been classified as a Variant of Uncertain Significance.

Revvity Omics, Revvity
Classification: Uncertain significance. Last evaluated: 2022-01-03. Review status: criteria provided, single submitter. Criteria: ACMG Guidelines, 2015. Collection method: clinical testing. Allele origin: germline.

Genome-Nilou Lab
Classification: Uncertain significance for Muscular dystrophy, limb-girdle, autosomal dominant 4. Last evaluated: 2021-07-22. Review status: criteria provided, single submitter. Criteria: ACMG Guidelines, 2015. Collection method: clinical testing. Allele origin: germline. Affected: no.

Genome-Nilou Lab
Classification: Uncertain significance for Autosomal recessive limb-girdle muscular dystrophy type 2A. Last evaluated: 2021-07-22. Review status: criteria provided, single submitter. Criteria: ACMG Guidelines, 2015. Collection method: clinical testing. Allele origin: germline. Affected: no.

Natera, Inc.
Classification: Uncertain significance for Limb-girdle muscular dystrophy type 2A. Last evaluated: 2020-03-23. Review status: no assertion criteria provided. Collection method: clinical testing. Allele origin: germline. Not counted in ClinVar's aggregate classification.

Literature cited by the submitters: PubMed 10330340 (cited by Labcorp Genetics (formerly Invitae), Labcorp); PubMed 17236769 (cited by Labcorp Genetics (formerly Invitae), Labcorp); PubMed 18073330 (cited by Labcorp Genetics (formerly Invitae), Labcorp); PubMed 18334579 (cited by Labcorp Genetics (formerly Invitae), Labcorp); PubMed 25079074 (cited by Labcorp Genetics (formerly Invitae), Labcorp).

NM_000070.3(CAPN3):c.1478G>A (p.Arg493Gln)

Gene: CAPN3 (calpain 3; plus strand). Cytogenetic location: 15q15.1.
Variant type: single nucleotide variant.
Coding change: c.1478G>A on transcript NM_000070.3 (MANE Select); coding-DNA position 1478, G replaced by A.
Protein change: p.Arg493Gln; replaces arginine 493 with glutamine.
Molecular consequence: missense variant.
Genome position (GRCh38, 1-based): chr15:42,401,764, G>A. VCF-style: chr15-42401764-G-A. GRCh37 (hg19) VCF-style: chr15-42693962-G-A.
Other names: c.1478G>A, p.Arg493Gln (NM_024344.2); c.1334G>A, p.Arg445Gln (NM_173087.2); short protein forms R445Q, R493Q.
Identifiers: ClinVar variation 968561 (VCV000968561.13), dbSNP rs143583537, ClinGen allele CA7511367.